The following is an entry in ClinVar:

ClinVar aggregate classification (germline): Uncertain significance (1 of 4 stars; one submission).

Conditions:
Nephronophthisis. Also called: Juvenile Nephronophthisis. Identifiers: Orphanet 655, MedGen C0687120, MONDO:0019005, HP:0000090.

Allele frequency attached by ClinVar (database versions not stated): gnomAD exomes below 0.00001 and 0.00001; ExAC 0.00001; gnomAD 0.00003; ESP Exome Variant Server 0.00008.

Submission:

Labcorp Genetics (formerly Invitae), Labcorp
Classification: Uncertain significance for Nephronophthisis. Last evaluated: 2022-09-06. Review status: criteria provided, single submitter. Criteria: Invitae Variant Classification Sherloc (09022015). Collection method: clinical testing. Allele origin: germline.
Comment: This sequence change replaces tyrosine, which is neutral and polar, with cysteine, which is neutral and slightly polar, at codon 304 of the IQCB1 protein (p.Tyr304Cys). This variant is present in population databases (rs147164945, gnomAD 0.003%). This variant has not been reported in the literature in individuals affected with IQCB1-related conditions. ClinVar contains an entry for this variant (Variation ID: 1052383). Algorithms developed to predict the effect of missense changes on protein structure and function are either unavailable or do not agree on the potential impact of this missense change (SIFT: "Tolerated"; PolyPhen-2: "Probably Damaging"; Align-GVGD: "Class C0"). In summary, the available evidence is currently insufficient to determine the role of this variant in disease. Therefore, it has been classified as a Variant of Uncertain Significance.

NM_001023570.4(IQCB1):c.911A>G (p.Tyr304Cys)

Gene: IQCB1 (IQ motif containing B1; minus strand). Cytogenetic location: 3q13.33.
Variant type: single nucleotide variant.
Coding change: c.911A>G on transcript NM_001023570.4 (MANE Select); coding-DNA position 911, A replaced by G.
Protein change: p.Tyr304Cys; replaces tyrosine 304 with cysteine.
Molecular consequence: missense variant. On other transcripts: intron variant (1).
Genome position (GRCh38, 1-based): chr3:121,795,532, T>C on the plus strand (A>G on the coding strand, the complement: IQCB1 is on the minus strand). VCF-style: chr3-121795532-T-C. GRCh37 (hg19) VCF-style: chr3-121514379-T-C.
Other names: c.911A>G, p.Tyr304Cys (NM_001319107.2); c.588-5317A>G (NM_001023571.4); short protein forms Y304C.
Identifiers: ClinVar variation 1052383 (VCV001052383.6), dbSNP rs147164945, ClinGen allele CA2567250.
Genomic context (GRCh38, chr3:121,795,532, plus strand): 5'-AAAGCAATCACAGCAGATGGAAGCTTCTTTAATCTCTTTCTTGTCTGAAAACCCTTCCAA[T>C]AGGCTTGAATCAAGCATGCTGCTTGATGTAGTTTCTGAAATGCCGAAAATAATTTAGAGA-3'
Protein context (NP_001018864.2, residues 294-314): LHQAACLIQA[Tyr304Cys]WKGFQTRKRL